The following is an entry in ClinVar:

NM_201384.3(PLEC):c.12696C>T (p.Phe4232=)

Gene: PLEC (plectin; minus strand). Cytogenetic location: 8q24.3.
Variant type: single nucleotide variant.
Coding change: c.12696C>T on transcript NM_201384.3 (MANE Select); coding-DNA position 12696, C replaced by T.
Protein change: p.Phe4232=; no amino-acid change (phenylalanine 4232 retained).
Molecular consequence: synonymous variant.
Genome position (GRCh38, 1-based): chr8:143,917,125, G>A on the plus strand (C>T on the coding strand, the complement: PLEC is on the minus strand). VCF-style: chr8-143917125-G-A. GRCh37 (hg19) VCF-style: chr8-144991293-G-A.
Other names: c.12777C>T, p.Phe4259= (NM_000445.5); c.12654C>T, p.Phe4218= (NM_201378.4); c.12630C>T, p.Phe4210= (NM_201379.3); c.13107C>T, p.Phe4369= (NM_201380.4); c.12600C>T, p.Phe4200= (NM_201381.3); c.12696C>T, p.Phe4232= (NM_201382.4); c.12708C>T, p.Phe4236= (NM_201383.3); c.12777C>T (NM_000445.4).
Identifiers: ClinVar variation 1528148 (VCV001528148.9), dbSNP rs368964907, ClinGen allele CA4924007.

ClinVar aggregate classification (germline): Likely benign. Review status: criteria provided, single submitter (1 of 4 stars). 2 submissions from 2 submitters: Likely benign (1). 1 of the submissions does not count toward it. Last evaluated 2024-08-28.

Conditions:
Autosomal recessive limb-girdle muscular dystrophy type 2Q (LGMDR17). Also called: MUSCULAR DYSTROPHY, LIMB-GIRDLE, AUTOSOMAL RECESSIVE 17. Identifiers: Orphanet 254361, MedGen C3150989, MONDO:0013390, OMIM 613723.
Epidermolysis bullosa simplex with nail dystrophy (EBS5D). Identifiers: MedGen C4225309, MONDO:0014661, OMIM 616487.
Epidermolysis bullosa simplex 5B, with muscular dystrophy (EBS5B). Also called: Epidermolysis bullosa simplex with muscular dystrophy; EPIDERMOLYSIS BULLOSA SIMPLEX AND LIMB-GIRDLE MUSCULAR DYSTROPHY. Identifiers: Orphanet 257, MedGen C2931072, MONDO:0009181, OMIM 226670.
Epidermolysis bullosa simplex 5C, with pyloric atresia (EBS5C). Also called: PLEC-Related Epidermolysis Bullosa with Pyloric Atresia; Epidermolysis bullosa simplex with pyloric atresia; PLEC1-Related Epidermolysis Bullosa with Pyloric Atresia. Identifiers: Orphanet 158684, MedGen C2677349, MONDO:0012807, OMIM 612138.
Epidermolysis bullosa simplex, Ogna type (EBS5A). Also called: Pidermolysis bullosa simplex 5A, Ogna type; EPIDERMOLYSIS BULLOSA SIMPLEX 5A, OGNA TYPE. Identifiers: Orphanet 79401, MedGen C0432317, MONDO:0007555, OMIM 131950.
PLEC-related disorder. Also called: PLEC-related disorders; PLEC-related condition.

Allele frequency attached by ClinVar (database versions not stated): ExAC 0.00002; gnomAD 0.00004; gnomAD exomes 0.00005; ESP Exome Variant Server 0.00008; 1000 Genomes Project 30x 0.00016; 1000 Genomes Project 0.00020.
gnomAD v4.1: 40 of 1,604,434 alleles (0.0025%); highest among the groups gnomAD compares: Admixed American, 0.0083%; no homozygotes.

Submissions (2):

Labcorp Genetics (formerly Invitae), Labcorp
Classification: Likely benign for Autosomal recessive limb-girdle muscular dystrophy type 2Q; Epidermolysis bullosa simplex, Ogna type; Epidermolysis bullosa simplex with nail dystrophy; Epidermolysis bullosa simplex 5C, with pyloric atresia; Epidermolysis bullosa simplex 5B, with muscular dystrophy. Last evaluated: 2024-08-28. Review status: criteria provided, single submitter. Criteria: Invitae Variant Classification Sherloc (09022015). Collection method: clinical testing. Allele origin: germline.

PreventionGenetics, part of Exact Sciences
Classification: Likely benign for PLEC-related condition. Last evaluated: 2024-09-18. Review status: no assertion criteria provided. Collection method: clinical testing. Allele origin: germline. Not counted in ClinVar's aggregate classification.
Comment: This variant is classified as likely benign based on ACMG/AMP sequence variant interpretation guidelines (Richards et al. 2015 PMID: 25741868, with internal and published modifications).